The following is an entry in ClinVar:

NM_001267550.2(TTN):c.19605del (p.Val6536fs)

Gene: TTN (titin; minus strand). Cytogenetic location: 2q31.2.
Variant type: Deletion.
Coding change: c.19605del on transcript NM_001267550.2 (MANE Select); coding-DNA position 19605, one base deleted (T; older notation c.19605delT).
Protein change: p.Val6536fs; shifts the reading frame from valine 6536.
Molecular consequence: frameshift variant. On other transcripts: intron variant (3).
Genome position (GRCh38, 1-based): chr2:178,728,219, A deleted on the plus strand (T on the coding strand, the reverse complement: TTN is on the minus strand). VCF-style (leftmost placement, unchanged base first): chr2-178728218-CA-C. GRCh37 (hg19) VCF-style: chr2-179592945-CA-C.
Other names: c.18654del, p.Val6219fs (NM_001256850.1); c.15873del, p.Val5292fs (NM_133378.4); c.13282+9863del (NM_003319.4); c.13858+9863del (NM_133437.4); c.13657+9863del (NM_133432.3); c.19605del (NM_001267550.1); short protein forms V5292fs, V6536fs, V6219fs.
Identifiers: ClinVar variation 972367 (VCV000972367.11), dbSNP rs2079698337, ClinGen allele CA1139657520.
Genomic context (GRCh38, chr2:178,728,218, plus strand): 5'-ACACTTTGCATGTGTAATTTGCAGTATCTTCTAATTCCAGATTATTAACTTCCAGAGACA[CA>C]GATCTCTCATGGCACACAAGTCTGTATTTTGCACTTGTAGATATTTCTTTTCCATCCTTA-3'

ClinVar aggregate classification (germline): Conflicting classifications of pathogenicity. Review status: criteria provided, conflicting classifications (1 of 4 stars). 2 submissions from 2 submitters: Likely pathogenic (1); Uncertain significance (1). Last evaluated 2024-11-12.

Conditions:
Dilated cardiomyopathy 1G (CMD1G). Identifiers: Orphanet 154, MedGen C1858763, MONDO:0011400, OMIM 604145.
Autosomal recessive limb-girdle muscular dystrophy type 2J (LGMDR10). Also called: Limb-girdle muscular dystrophy, type 2J; MUSCULAR DYSTROPHY, LIMB-GIRDLE, AUTOSOMAL RECESSIVE 10. Identifiers: Orphanet 140922, MedGen C1837342, MONDO:0012127, OMIM 608807.

Submissions (2):

GeneDx
Classification: Uncertain significance. Last evaluated: 2024-11-12. Review status: criteria provided, single submitter. Criteria: GeneDx Variant Classification Process June 2021. Collection method: clinical testing. Allele origin: germline. Affected: yes.
Comment: Not observed at significant frequency in large population cohorts (gnomAD); Frameshift variant predicted to result in protein truncation or nonsense mediated decay in a region of a gene for which loss of function is not a well-established mechanism of disease; Has not been previously published as pathogenic or benign to our knowledge

Labcorp Genetics (formerly Invitae), Labcorp
Classification: Likely pathogenic for Dilated cardiomyopathy 1G; Autosomal recessive limb-girdle muscular dystrophy type 2J. Last evaluated: 2024-11-04. Review status: criteria provided, single submitter. Criteria: Invitae Variant Classification Sherloc (09022015). Collection method: clinical testing. Allele origin: germline.
Comment: This sequence change creates a premature translational stop signal (p.Val6536Cysfs*10) in the TTN gene. While this is not anticipated to result in nonsense mediated decay, it is expected to create a truncated TTN protein. This variant is not present in population databases (gnomAD no frequency). This variant has not been reported in the literature in individuals affected with TTN-related conditions. ClinVar contains an entry for this variant (Variation ID: 972367). Algorithms developed to predict the effect of sequence changes on RNA splicing suggest that this variant may disrupt the consensus splice site. This variant is located in the I band of TTN (PMID: 25589632). Truncating variants in this region have been reported in individuals affected with autosomal recessive centronuclear myopathy (PMID: 23975875, internal data). Truncating variants in this region have also been identified in individuals affected with autosomal dominant dilated cardiomyopathy and/or cardio-related conditions (PMID: 27869827, 32964742, internal data). In summary, the currently available evidence indicates that the variant is pathogenic, but additional data are needed to prove that conclusively. Therefore, this variant has been classified as Likely Pathogenic.

Literature cited by the submitters: PubMed 25589632 (cited by Labcorp Genetics (formerly Invitae), Labcorp); PubMed 23975875 (cited by Labcorp Genetics (formerly Invitae), Labcorp); PubMed 27869827 (cited by Labcorp Genetics (formerly Invitae), Labcorp); PubMed 32964742 (cited by Labcorp Genetics (formerly Invitae), Labcorp).